The following is an entry in ClinVar:

NM_000260.4(MYO7A):c.4259G>A (p.Arg1420His)

Gene: MYO7A (myosin VIIA; plus strand). Cytogenetic location: 11q13.5.
Variant type: single nucleotide variant.
Coding change: c.4259G>A on transcript NM_000260.4 (MANE Select); coding-DNA position 4259, G replaced by A.
Protein change: p.Arg1420His; replaces arginine 1420 with histidine.
Molecular consequence: missense variant.
Genome position (GRCh38, 1-based): chr11:77,194,460, G>A. VCF-style: chr11-77194460-G-A. GRCh37 (hg19) VCF-style: chr11-76905505-G-A.
Other names: c.4259G>A, p.Arg1420His (NM_001127180.2); c.4226G>A, p.Arg1409His (NM_001369365.1); short protein forms R1409H, R1420H.
Identifiers: ClinVar variation 956469 (VCV000956469.8), dbSNP rs568337942, ClinGen allele CA6198387.
Genomic context (GRCh38, chr11:77,194,460, plus strand): 5'-ATGGCTCTGAGATGATCCTGGAGCGCCTCCTGAACCTCGTGCCCACCTACATCCCCGACC[G>A]CGAGATCACGCCCCTGAAGACGCTGGAGAAGTGGGCCCAGCTGGCCATCGCCGCCCACAA-3'
Protein context (NP_000251.3, residues 1410-1430): LNLVPTYIPD[Arg1420His]EITPLKTLEK

ClinVar aggregate classification (germline): Uncertain significance. Review status: criteria provided, multiple submitters, no conflicts (2 of 4 stars). 3 submissions from 3 submitters: Uncertain significance (2). 1 of the submissions does not count toward it. Last evaluated 2025-07-07.

Conditions:
MYO7A-related disorder. Also called: MYO7A-related disorders.
Usher syndrome type 1B (USH1B). Also called: Usher syndrome type IB. Identifiers: MedGen C1848638, MONDO:0700087.

Allele frequency attached by ClinVar (database versions not stated): gnomAD 0.00001 and 0.00002; gnomAD exomes 0.00001 and 0.00002; TOPMed 0.00001; ExAC 0.00002; 1000 Genomes Project 30x 0.00016; 1000 Genomes Project 0.00020.
gnomAD v4.1: 35 of 1,609,920 alleles (0.0022%); highest among the groups gnomAD compares: South Asian, 0.0067%; no homozygotes.

Submissions (3):

PreventionGenetics, part of Exact Sciences
Classification: Uncertain significance for MYO7A-related condition. Last evaluated: 2025-07-07. Review status: criteria provided, single submitter. Criteria: ACMG Guidelines, 2015. Collection method: clinical testing. Allele origin: germline.
Comment: The MYO7A c.4259G>A variant is predicted to result in the amino acid substitution p.Arg1420His. This variant was reported in an individual with 46,XY difference of sexual development, although this patient was not noted to have hearing loss and had a potentially causative variant in another gene (Martinez de Lapiscina et al. 2023. PubMed ID: 37432935). This variant is reported in 0.0069% of alleles in individuals of South Asian descent in gnomAD. At this time, the clinical significance of this variant is uncertain due to the absence of conclusive functional and genetic evidence.

Labcorp Genetics (formerly Invitae), Labcorp
Classification: Uncertain significance. Last evaluated: 2024-04-18. Review status: criteria provided, single submitter. Criteria: Invitae Variant Classification Sherloc (09022015). Collection method: clinical testing. Allele origin: germline.
Comment: This sequence change replaces arginine, which is basic and polar, with histidine, which is basic and polar, at codon 1420 of the MYO7A protein (p.Arg1420His). This variant is present in population databases (rs568337942, gnomAD 0.007%). This variant has not been reported in the literature in individuals affected with MYO7A-related conditions. ClinVar contains an entry for this variant (Variation ID: 956469). Advanced modeling of protein sequence and biophysical properties (such as structural, functional, and spatial information, amino acid conservation, physicochemical variation, residue mobility, and thermodynamic stability) performed at Invitae indicates that this missense variant is not expected to disrupt MYO7A protein function with a negative predictive value of 95%. In summary, the available evidence is currently insufficient to determine the role of this variant in disease. Therefore, it has been classified as a Variant of Uncertain Significance.

Natera, Inc.
Classification: Uncertain significance for Usher syndrome type 1B. Last evaluated: 2020-07-19. Review status: no assertion criteria provided. Collection method: clinical testing. Allele origin: germline. Not counted in ClinVar's aggregate classification.